The following is an entry in ClinVar:

NM_032578.4(MYPN):c.1466G>A (p.Arg489Gln)

Gene: MYPN (myopalladin; plus strand). Cytogenetic location: 10q21.3.
Variant type: single nucleotide variant.
Coding change: c.1466G>A on transcript NM_032578.4 (MANE Select); coding-DNA position 1466, G replaced by A.
Protein change: p.Arg489Gln; replaces arginine 489 with glutamine.
Molecular consequence: missense variant. On other transcripts: non-coding transcript variant (1).
Genome position (GRCh38, 1-based): chr10:68,161,735, G>A. VCF-style: chr10-68161735-G-A. GRCh37 (hg19) VCF-style: chr10-69921492-G-A.
Other names: p.Arg489Gln; c.1466G>A, p.Arg489Gln (NM_001256267.2); c.584G>A, p.Arg195Gln (NM_001256268.2); short protein forms R489Q, R195Q.
Identifiers: ClinVar variation 544030 (VCV000544030.30), dbSNP rs141031460, ClinGen allele CA5522562.

ClinVar aggregate classification (germline): Conflicting classifications of pathogenicity. Review status: criteria provided, conflicting classifications (1 of 4 stars). 10 submissions from 10 submitters: Uncertain significance (6); Likely benign (1). 3 of the submissions do not count toward it. Last evaluated 2026-08-10.

Conditions:
MYPN-related myopathy (CMYO24). Also called: Nemaline myopathy 11, autosomal recessive. Identifiers: MedGen C4479186, MONDO:0015023, OMIM 617336.
Dilated cardiomyopathy 1KK (CMD1KK). Identifiers: Orphanet 154, Orphanet 75249, MedGen C3714995, MONDO:0014100, OMIM 615248.
Cardiovascular phenotype. Identifiers: MedGen CN230736.
MYPN-related disorder. Also called: MYPN-related condition.

Allele frequency attached by ClinVar (database versions not stated): TOPMed 0.00004; gnomAD 0.00006; ExAC 0.00008; gnomAD exomes 0.00009 and 0.00011; ESP Exome Variant Server 0.00015; 1000 Genomes Project 0.00020; 1000 Genomes Project 30x 0.00031.
gnomAD v4.1: 141 of 1,610,950 alleles (0.0088%); highest among the groups gnomAD compares: Middle Eastern, 0.05%; no homozygotes.

Submissions (10):

GeneDx
Classification: Uncertain significance. Last evaluated: 2026-08-10. Review status: criteria provided, single submitter. Criteria: GeneDx Variant Classification Process June 2021. Collection method: clinical testing. Allele origin: germline.
Comment: Identified in a patient with DCM in published literature (PMID: 30847666); In silico analysis suggests that this missense variant does not alter protein structure/function; This variant is associated with the following publications: (PMID: 30847666)

PreventionGenetics, part of Exact Sciences
Classification: Uncertain significance for MYPN-related condition. Last evaluated: 2026-07-06. Review status: criteria provided, single submitter. Criteria: ACMG Guidelines, 2015. Collection method: clinical testing. Allele origin: germline.
Comment: The MYPN c.1466G>A variant is predicted to result in the amino acid substitution p.Arg489Gln. This variant has been reported in an individual with dilated cardiomyopathy (Online Supplementary File 2, van Lint et al. 2019. PubMed ID: 30847666). This variant is reported in 0.020% of alleles in individuals of South Asian descent in gnomAD. At this time, the clinical significance of this variant is uncertain due to the absence of conclusive functional and genetic evidence.

Blueprint Genetics
Classification: Likely benign. Last evaluated: 2024-11-20. Review status: criteria provided, single submitter. Criteria: ACMG Guidelines, 2015. Collection method: clinical testing. Allele origin: germline.

Ambry Genetics
Classification: Uncertain significance for Cardiovascular phenotype. Last evaluated: 2024-10-21. Review status: criteria provided, single submitter. Criteria: Ambry Variant Classification Scheme 2023. Collection method: clinical testing. Allele origin: germline.
Comment: The p.R489Q variant (also known as c.1466G>A), located in coding exon 7 of the MYPN gene, results from a G to A substitution at nucleotide position 1466. The arginine at codon 489 is replaced by glutamine, an amino acid with highly similar properties. This variant was detected in a cardiomyopathy genetic testing cohort; however, clinical details were limited (van Lint FHM et al. Neth Heart J, 2019 Jun;27:304-309). This amino acid position is highly conserved in available vertebrate species. In addition, the in silico prediction for this alteration is inconclusive. Since supporting evidence is limited at this time, the clinical significance of this alteration remains unclear.

Labcorp Genetics (formerly Invitae), Labcorp
Classification: Uncertain significance for Dilated cardiomyopathy 1KK. Last evaluated: 2023-12-22. Review status: criteria provided, single submitter. Criteria: Invitae Variant Classification Sherloc (09022015). Collection method: clinical testing. Allele origin: germline.
Comment: This sequence change replaces arginine, which is basic and polar, with glutamine, which is neutral and polar, at codon 489 of the MYPN protein (p.Arg489Gln). This variant is present in population databases (rs141031460, gnomAD 0.02%). This missense change has been observed in individual(s) with dilated cardiomyopathy (PMID: 30847666). ClinVar contains an entry for this variant (Variation ID: 544030). An algorithm developed to predict the effect of missense changes on protein structure and function (PolyPhen-2) suggests that this variant is likely to be disruptive. In summary, the available evidence is currently insufficient to determine the role of this variant in disease. Therefore, it has been classified as a Variant of Uncertain Significance.

Mayo Clinic Laboratories, Mayo Clinic
Classification: Uncertain significance. Last evaluated: 2022-08-16. Review status: criteria provided, single submitter. Criteria: ACMG Guidelines, 2015. Collection method: clinical testing. Allele origin: germline. Observed: 1 variant allele.

Fulgent Genetics
Classification: Uncertain significance for Dilated cardiomyopathy 1KK; MYPN-related myopathy. Last evaluated: 2021-12-23. Review status: criteria provided, single submitter. Criteria: ACMG Guidelines, 2015. Collection method: clinical testing. Allele origin: unknown.

Clinical Genetics, Academic Medical Center
Classification: Uncertain significance. Review status: no assertion criteria provided. Collection method: clinical testing. Allele origin: germline. Affected: yes. Study: VKGL Data-share Consensus. Not counted in ClinVar's aggregate classification.

Diagnostic Laboratory, Department of Genetics, University Medical Center Groningen
Classification: Uncertain significance. Review status: no assertion criteria provided. Collection method: clinical testing. Allele origin: germline. Affected: yes. Study: VKGL Data-share Consensus. Not counted in ClinVar's aggregate classification.

Joint Genome Diagnostic Labs from Nijmegen and Maastricht, Radboudumc and MUMC+
Classification: Uncertain significance. Review status: no assertion criteria provided. Collection method: clinical testing. Allele origin: germline. Affected: yes. Study: VKGL Data-share Consensus. Not counted in ClinVar's aggregate classification.

Literature cited by the submitters: PubMed 30847666 (cited by Ambry Genetics and Labcorp Genetics (formerly Invitae), Labcorp).